The following is an entry in ClinVar:

NM_001694.4(ATP6V0C):c.80-1G>T

Gene: ATP6V0C (ATPase H+ transporting V0 subunit c; plus strand). Cytogenetic location: 16p13.3.
Variant type: single nucleotide variant.
Coding change: c.80-1G>T on transcript NM_001694.4 (MANE Select); the canonical splice acceptor site of the intron before coding-DNA position 80, G replaced by T.
Molecular consequence: splice acceptor variant.
Genome position (GRCh38, 1-based): chr16:2,519,217, G>T. VCF-style: chr16-2519217-G-T. GRCh37 (hg19) VCF-style: chr16-2569218-G-T.
Other names: c.80-1G>T (NM_001198569.2).
Identifiers: ClinVar variation 3375682 (VCV003375682.2).
Genomic context (GRCh38, chr16:2,519,217, plus strand): 5'-GGGGTCCTAGTCTCAACTGGCCTGCGTACTGCTGTGGGCTCACCCCGCCTTCCTCCCACA[G>T]CCCTGGGCGCTGCCTATGGCACAGCCAAGAGCGGTACCGGCATTGCGGCCATGTCTGTCA-3'

ClinVar aggregate classification (germline): Uncertain significance (1 of 4 stars; one submission).

Submission:

GeneDx
Classification: Uncertain significance. Last evaluated: 2025-09-21. Review status: criteria provided, single submitter. Criteria: GeneDx Variant Classification Process June 2021. Collection method: clinical testing. Allele origin: germline.
Comment: Not observed at significant frequency in large population cohorts (gnomAD); Canonical splice site variant in a gene for which loss-of-function is not an established mechanism of disease; Has not been previously published as pathogenic or benign to our knowledge